The following is an entry in ClinVar:

ClinVar aggregate classification (germline): Uncertain significance (1 of 4 stars; one submission).

Conditions:
Arginase deficiency. Also called: ARGININEMIA; ARG1 DEFICIENCY; Arginase 1 Deficiency. Identifiers: Orphanet 90, MedGen C0268548, MONDO:0008814, OMIM 207800.

Allele frequency attached by ClinVar (database versions not stated): gnomAD exomes 0.00003 and 0.00001; ExAC 0.00001; TOPMed 0.00005.
gnomAD v4.1: 8 of 1,614,004 alleles (0.0005%); highest among the groups gnomAD compares: Admixed American, 0.013%; no homozygotes.

Submission:

Labcorp Genetics (formerly Invitae), Labcorp
Classification: Uncertain significance for Arginase deficiency. Last evaluated: 2022-07-20. Review status: criteria provided, single submitter. Criteria: Invitae Variant Classification Sherloc (09022015). Collection method: clinical testing. Allele origin: germline.
Comment: This sequence change replaces isoleucine, which is neutral and non-polar, with methionine, which is neutral and non-polar, at codon 275 of the ARG1 protein (p.Ile275Met). This variant is present in population databases (rs781780752, gnomAD 0.02%). This variant has not been reported in the literature in individuals affected with ARG1-related conditions. ClinVar contains an entry for this variant (Variation ID: 1420151). Algorithms developed to predict the effect of missense changes on protein structure and function are either unavailable or do not agree on the potential impact of this missense change (SIFT: "Deleterious"; PolyPhen-2: "Benign"; Align-GVGD: "Class C0"). In summary, the available evidence is currently insufficient to determine the role of this variant in disease. Therefore, it has been classified as a Variant of Uncertain Significance.

NM_000045.4(ARG1):c.825A>G (p.Ile275Met)

Genes: ARG1 (arginase 1; plus strand), MED23 (mediator complex subunit 23; minus strand). Cytogenetic location: 6q23.2.
Variant type: single nucleotide variant.
Coding change: c.825A>G on transcript NM_000045.4 (MANE Select); coding-DNA position 825, A replaced by G.
Protein change: p.Ile275Met; replaces isoleucine 275 with methionine.
Molecular consequence: missense variant. On other transcripts: non-coding transcript variant (1), intron variant (2).
Genome position (GRCh38, 1-based): chr6:131,583,764, A>G. VCF-style: chr6-131583764-A-G. GRCh37 (hg19) VCF-style: chr6-131904904-A-G.
Other names: c.849A>G, p.Ile283Met (NM_001244438.2); c.570A>G, p.Ile190Met (NM_001369020.1); c.4077+3945T>C (NM_001270521.2); c.4095+3945T>C (NM_015979.4); short protein forms I275M, I283M, I190M.
Identifiers: ClinVar variation 1420151 (VCV001420151.6), dbSNP rs781780752, ClinGen allele CA3999385.
Genomic context (GRCh38, chr6:131,583,764, plus strand): 5'-TATTTTATAAATTACATTATTACAATTTGTTGTTGTAGGGCTACTCTCAGGATTAGATAT[A>G]ATGGAAGTGAACCCATCCCTGGGGAAGACACCAGAAGAAGTAACTCGAACAGTGAACACA-3'
Protein context (NP_000036.2, residues 265-285): YKTGLLSGLD[Ile275Met]MEVNPSLGKT